The following is an entry in ClinVar:

ClinVar aggregate classification (germline): Uncertain significance (1 of 4 stars; one submission).

Conditions:
Cardiovascular phenotype. Identifiers: MedGen CN230736.

Submission:

Ambry Genetics
Classification: Uncertain significance for Cardiovascular phenotype. Last evaluated: 2026-02-22. Review status: criteria provided, single submitter. Criteria: Ambry Variant Classification Scheme 2023. Collection method: clinical testing. Allele origin: germline.
Comment: The p.D241N variant (also known as c.721G>A), located in coding exon 6 of the PTPN11 gene, results from a G to A substitution at nucleotide position 721. The aspartic acid at codon 241 is replaced by asparagine, an amino acid with highly similar properties. This amino acid position is conserved. In addition, this alteration is predicted to be tolerated by in silico analysis. Based on the available evidence, the clinical significance of this variant remains unclear.

NM_002834.5(PTPN11):c.721G>A (p.Asp241Asn)

Gene: PTPN11 (protein tyrosine phosphatase non-receptor type 11; plus strand). Cytogenetic location: 12q24.13.
Variant type: single nucleotide variant.
Coding change: c.721G>A on transcript NM_002834.5 (MANE Select); coding-DNA position 721, G replaced by A.
Protein change: p.Asp241Asn; replaces aspartic acid 241 with asparagine.
Molecular consequence: missense variant.
Genome position (GRCh38, 1-based): chr12:112,456,028, G>A. VCF-style: chr12-112456028-G-A. GRCh37 (hg19) VCF-style: chr12-112893832-G-A.
Other names: c.721G>A, p.Asp241Asn (NM_001330437.2, NM_080601.3); c.718G>A, p.Asp240Asn (NM_001374625.1); short protein forms D240N, D241N.
Identifiers: ClinVar variation 4825461 (VCV004825461.1).
Genomic context (GRCh38, chr12:112,456,028, plus strand): 5'-ATAAATGCTGCTGAAATAGAAAGCAGAGTTCGAGAACTAAGCAAATTAGCTGAGACCACA[G>A]ATAAAGTCAAACAAGGCTTTTGGGAAGAATTTGAGGTAAGTTATTAAAAAACTGTTTTTA-3'
Protein context (NP_002825.3, residues 231-251): RELSKLAETT[Asp241Asn]KVKQGFWEEF